The following is an entry in ClinVar:

ClinVar aggregate classification (germline): Uncertain significance. Review status: criteria provided, multiple submitters, no conflicts (2 of 4 stars). 2 submissions from 2 submitters: Uncertain significance (2). Last evaluated 2023-11-19.

Conditions:
Dyskeratosis congenita. Identifiers: Orphanet 1775, MedGen C0265965, MONDO:0015780.
Inborn genetic diseases. Identifiers: MedGen C0950123, MeSH D030342.

Allele frequency attached by ClinVar (database versions not stated): gnomAD 0.00001.
gnomAD v4.1: 12 of 1,614,144 alleles (0.00074%); highest among the groups gnomAD compares: East Asian, 0.0045%; no homozygotes.

Submissions (2):

Labcorp Genetics (formerly Invitae), Labcorp
Classification: Uncertain significance for Dyskeratosis congenita. Last evaluated: 2023-11-19. Review status: criteria provided, single submitter. Criteria: Invitae Variant Classification Sherloc (09022015). Collection method: clinical testing. Allele origin: germline.
Comment: This sequence change replaces arginine, which is basic and polar, with cysteine, which is neutral and slightly polar, at codon 1153 of the CTC1 protein (p.Arg1153Cys). This variant is present in population databases (no rsID available, gnomAD 0.006%). This variant has not been reported in the literature in individuals affected with CTC1-related conditions. An algorithm developed to predict the effect of missense changes on protein structure and function (PolyPhen-2) suggests that this variant is likely to be disruptive. In summary, the available evidence is currently insufficient to determine the role of this variant in disease. Therefore, it has been classified as a Variant of Uncertain Significance.

Ambry Genetics
Classification: Uncertain significance for Inborn genetic diseases. Last evaluated: 2021-08-12. Review status: criteria provided, single submitter. Criteria: Ambry Variant Classification Scheme 2023. Collection method: clinical testing. Allele origin: germline.

NM_025099.6(CTC1):c.3457C>T (p.Arg1153Cys)

Gene: CTC1 (CST telomere replication complex component 1; minus strand). Cytogenetic location: 17p13.1.
Variant type: single nucleotide variant.
Coding change: c.3457C>T on transcript NM_025099.6 (MANE Select); coding-DNA position 3457, C replaced by T.
Protein change: p.Arg1153Cys; replaces arginine 1153 with cysteine.
Molecular consequence: missense variant. On other transcripts: non-coding transcript variant (1).
Genome position (GRCh38, 1-based): chr17:8,228,560, G>A on the plus strand (C>T on the coding strand, the complement: CTC1 is on the minus strand). VCF-style: chr17-8228560-G-A. GRCh37 (hg19) VCF-style: chr17-8131878-G-A.
Other names: c.3226C>T, p.Arg1076Cys (NM_001411067.1); c.3457C>T (NM_025099.5); short protein forms R1076C, R1153C.
Identifiers: ClinVar variation 2713166 (VCV002713166.4), dbSNP rs1182830116, ClinGen allele CA397968439.
Genomic context (GRCh38, chr17:8,228,560, plus strand): 5'-TACCTAATGGGACGATCTTCGACGGTTTCCTTTCCAGCTCAAAAGAAAGCACAATAGGAC[G>A]GAGGACAGAGGGGCTAGTACAAAGTGTCCAGAGGAACATGGTCATGGGCTCGTCAACCCT-3'
Protein context (NP_079375.3, residues 1143-1163): WTLCTSPSVL[Arg1153Cys]PIVLSFELER